The following is an entry in ClinVar:

ClinVar aggregate classification (germline): Conflicting classifications of pathogenicity. Review status: criteria provided, conflicting classifications (1 of 4 stars). 3 submissions from 3 submitters: Uncertain significance (2); Likely benign (1). Last evaluated 2025-08-10.

Conditions:
Hereditary breast ovarian cancer syndrome. Also called: Hereditary breast and ovarian cancer; Hereditary breast and/or ovarian cancer syndrome; BRCA1- and BRCA2-Associated Hereditary Breast and Ovarian Cancer; Hereditary breast and ovarian cancer syndrome; Hereditary breast and ovarian cancer syndrome (HBOC); Breast and ovarian cancer. Identifiers: Orphanet 145, MedGen C0677776, MeSH D061325, MONDO:0003582. Disease mechanism: loss of function.
Hereditary cancer-predisposing syndrome. Also called: Tumor predisposition; Hereditary Cancer Syndrome; Hereditary neoplastic syndrome; Neoplastic Syndromes, Hereditary. Identifiers: Orphanet 140162, MedGen C0027672, MeSH D009386, MONDO:0015356.

Submissions (3):

Ambry Genetics
Classification: Uncertain significance for Hereditary cancer-predisposing syndrome. Last evaluated: 2025-08-10. Review status: criteria provided, single submitter. Criteria: Ambry Variant Classification Scheme 2023. Collection method: clinical testing. Allele origin: germline.
Comment: The p.D1899G variant (also known as c.5696A>G), located in coding exon 10 of the BRCA2 gene, results from an A to G substitution at nucleotide position 5696. The aspartic acid at codon 1899 is replaced by glycine, an amino acid with similar properties. This amino acid position is conserved. In addition, the in silico prediction for this alteration is inconclusive. Based on the available evidence, the clinical significance of this variant remains unclear.

University of Washington Department of Laboratory Medicine, University of Washington
Classification: Likely benign for Hereditary cancer-predisposing syndrome. Last evaluated: 2023-03-23. Review status: criteria provided, single submitter. Criteria: Dines et al. (Genet Med. 2020). Collection method: curation. Allele origin: germline.
Comment: Missense variant in a coldspot region where missense variants are very unlikely to be pathogenic (PMID:31911673).

BRCA2 exon 11 coldspot. Reclassification based on statistical prior probability.

Labcorp Genetics (formerly Invitae), Labcorp
Classification: Uncertain significance for Hereditary breast ovarian cancer syndrome. Last evaluated: 2016-05-05. Review status: criteria provided, single submitter. Criteria: Invitae Variant Classification Sherloc (09022015). Collection method: clinical testing. Allele origin: germline.
Comment: Algorithms developed to predict the effect of missense changes on protein structure and function output the following: (SIFT: "Tolerated"; PolyPhen-2: "Benign"; Align-GVGD: "Class C0"). The glycine amino acid residue is also found in multiple mammalian species, suggesting that this missense change does not adversely affect protein function. These predictions have not been confirmed by published functional studies. This variant is not present in population databases (ExAC no frequency) and has not been reported in the literature in individuals with a BRCA2-related disease. In summary, this variant is a novel missense change that is not predicted to affect protein function. There is no indication that it causes disease, but the available evidence is currently insufficient to prove that conclusively. Therefore, it has been classified as a Variant of Uncertain Significance. This sequence change replaces aspartic acid with glycine at codon 1899 of the BRCA2 protein (p.Asp1899Gly). The aspartic acid residue is weakly conserved and there is a moderate physicochemical difference between aspartic acid and glycine.

NM_000059.4(BRCA2):c.5696A>G (p.Asp1899Gly)

Gene: BRCA2 (BRCA2 DNA repair associated; plus strand). Cytogenetic location: 13q13.1.
Variant type: single nucleotide variant.
Coding change: c.5696A>G on transcript NM_000059.4 (MANE Select); coding-DNA position 5696, A replaced by G.
Protein change: p.Asp1899Gly; replaces aspartic acid 1899 with glycine.
Molecular consequence: missense variant.
Genome position (GRCh38, 1-based): chr13:32,340,051, A>G. VCF-style: chr13-32340051-A-G. GRCh37 (hg19) VCF-style: chr13-32914188-A-G.
Other names: short protein forms D1899G.
Identifiers: ClinVar variation 409545 (VCV000409545.11), dbSNP rs1060502461, ClinGen allele CA16613894.